The following is an entry in ClinVar:

ClinVar aggregate classification (germline): Uncertain significance. Review status: criteria provided, multiple submitters, no conflicts (2 of 4 stars). 2 submissions from 2 submitters: Uncertain significance (2). Last evaluated 2025-01-25.

Allele frequency attached by ClinVar (database versions not stated): ExAC 0.00001; gnomAD exomes 0.00001; TOPMed 0.00001; gnomAD 0.00003.

Submissions (2):

Ambry Genetics
Classification: Uncertain significance. Last evaluated: 2025-01-25. Review status: criteria provided, single submitter. Criteria: Ambry Variant Classification Scheme 2023. Collection method: clinical testing. Allele origin: germline.

Labcorp Genetics (formerly Invitae), Labcorp
Classification: Uncertain significance. Last evaluated: 2025-01-15. Review status: criteria provided, single submitter. Criteria: Invitae Variant Classification Sherloc (09022015). Collection method: clinical testing. Allele origin: germline.
Comment: This sequence change replaces serine, which is neutral and polar, with leucine, which is neutral and non-polar, at codon 737 of the DHX38 protein (p.Ser737Leu). This variant is present in population databases (rs757861343, gnomAD 0.02%). This variant has not been reported in the literature in individuals affected with DHX38-related conditions. ClinVar contains an entry for this variant (Variation ID: 1512234). Invitae Evidence Modeling of protein sequence and biophysical properties (such as structural, functional, and spatial information, amino acid conservation, physicochemical variation, residue mobility, and thermodynamic stability) indicates that this missense variant is not expected to disrupt DHX38 protein function with a negative predictive value of 80%. In summary, the available evidence is currently insufficient to determine the role of this variant in disease. Therefore, it has been classified as a Variant of Uncertain Significance.

NM_014003.4(DHX38):c.2210C>T (p.Ser737Leu)

Gene: DHX38 (DEAH-box helicase 38; plus strand). Cytogenetic location: 16q22.2.
Variant type: single nucleotide variant.
Coding change: c.2210C>T on transcript NM_014003.4 (MANE Select); coding-DNA position 2210, C replaced by T.
Protein change: p.Ser737Leu; replaces serine 737 with leucine.
Molecular consequence: missense variant.
Genome position (GRCh38, 1-based): chr16:72,105,085, C>T. VCF-style: chr16-72105085-C-T. GRCh37 (hg19) VCF-style: chr16-72138984-C-T.
Other names: c.2210C>T (NM_014003.3); short protein forms S737L.
Identifiers: ClinVar variation 1512234 (VCV001512234.9), dbSNP rs757861343, ClinGen allele CA8160565.